The following is an entry in ClinVar:

NM_000518.5(HBB):c.260C>T (p.Ala87Val)

Genes: HBB (hemoglobin subunit beta; minus strand), LOC106099062 (HBB recombination region; plus strand), LOC107133510 (origin of replication at HBB; plus strand). Cytogenetic location: 11p15.4.
Variant type: single nucleotide variant.
Coding change: c.260C>T on transcript NM_000518.5 (MANE Select); coding-DNA position 260, C replaced by T.
Protein change: p.Ala87Val; replaces alanine 87 with valine.
Molecular consequence: missense variant.
Genome position (GRCh38, 1-based): chr11:5,226,632, G>A on the plus strand (C>T on the coding strand, the complement: HBB is on the minus strand). VCF-style: chr11-5226632-G-A. GRCh37 (hg19) VCF-style: chr11-5247862-G-A.
Other names: short protein forms A87V.
Identifiers: ClinVar variation 993072 (VCV000993072.2), dbSNP rs35819837, ClinGen allele CA217113692.

ClinVar aggregate classification (germline): Uncertain significance. Review status: criteria provided, multiple submitters, no conflicts (2 of 4 stars). 2 submissions from 2 submitters: Uncertain significance (2). Last evaluated 2024-11-20.

Allele frequency attached by ClinVar (database versions not stated): gnomAD exomes below 0.00001.
gnomAD v4.1: 3 of 1,614,136 alleles (0.00019%); highest among the groups gnomAD compares: Non-Finnish European, 0.00025%; no homozygotes.

Submissions (2):

Women's Health and Genetics/Laboratory Corporation of America, LabCorp
Classification: Uncertain significance. Last evaluated: 2024-11-20. Review status: criteria provided, single submitter. Criteria: LabCorp Variant Classification Summary - May 2015. Collection method: clinical testing. Allele origin: germline.
Comment: Variant summary: HBB c.260C>T (p.Ala87Val) results in a non-conservative amino acid change located in the Globin domain (IPR000971) of the encoded protein sequence. Five of five in-silico tools predict a damaging effect of the variant on protein function. The variant allele was found at a frequency of 4e-06 in 251426 control chromosomes. The available data on variant occurrences in the general population are insufficient to allow any conclusion about variant significance. c.260C>T has been reported in the literature in several familial members without clinical phenotype and also in a patient with unspecified Thalassemia (example, Celebiler_2012, Tan_2021). These report(s) do not provide unequivocal conclusions about association of the variant with Beta Thalassemia. To our knowledge, no experimental evidence demonstrating an impact on protein function has been reported. The following publications have been ascertained in the context of this evaluation (PMID: 22946749, 33439495). ClinVar contains an entry for this variant (Variation ID: 993072). Based on the evidence outlined above, the variant was classified as uncertain significance.

Quest Diagnostics Nichols Institute San Juan Capistrano
Classification: Uncertain significance. Last evaluated: 2019-11-12. Review status: criteria provided, single submitter. Criteria: Quest Diagnostics criteria. Collection method: clinical testing. Allele origin: unknown.

Literature cited by the submitters: PubMed 33439495 (cited by Women's Health and Genetics/Laboratory Corporation of America, LabCorp); PubMed 22946749 (cited by Women's Health and Genetics/Laboratory Corporation of America, LabCorp and Quest Diagnostics Nichols Institute San Juan Capistrano); PubMed 21250878 (cited by Quest Diagnostics Nichols Institute San Juan Capistrano).